The following is an entry in ClinVar:

ClinVar aggregate classification (germline): Uncertain significance (1 of 4 stars; one submission).

Allele frequency attached by ClinVar (database versions not stated): TOPMed below 0.00001.
gnomAD v4.1: 1 of 1,614,026 alleles (0.000062%); highest among the groups gnomAD compares: Non-Finnish European, 0.000085%; no homozygotes.

Submission:

Women's Health and Genetics/Laboratory Corporation of America, LabCorp
Classification: Uncertain significance. Last evaluated: 2023-12-19. Review status: criteria provided, single submitter. Criteria: LabCorp Variant Classification Summary - May 2015. Collection method: clinical testing. Allele origin: germline.
Comment: Variant summary: LPL c.1309G>A (p.Glu437Lys) results in a conservative amino acid change located in the PLAT/LH2 domain (IPR001024) of the encoded protein sequence. Four of five in-silico tools predict a damaging effect of the variant on protein function. The variant was absent in 251054 control chromosomes (gnomAD). The available data on variant occurrences in the general population are insufficient to allow any conclusion about variant significance. c.1309G>A (also known as Glu410Lys) has been reported in the literature in at-least one individual affected with Familial Lipoprotein Lipase Deficiency (example: Wiebusch_1996, Bucher_1997). These report(s) do not provide unequivocal conclusions about association of the variant with Familial Lipoprotein Lipase Deficiency. To our knowledge, no experimental evidence demonstrating an impact on protein function has been reported. The following publications have been ascertained in the context of this evaluation (PMID: 8956048, 27055971, 27055971). No submitters have cited clinical-significance assessments for this variant to ClinVar after 2014. Based on the evidence outlined above, the variant was classified as uncertain significance.

Literature cited by the submitters: PubMed 27055971; PubMed 8956048.

NM_000237.3(LPL):c.1309G>A (p.Glu437Lys)

Gene: LPL (lipoprotein lipase; plus strand). Cytogenetic location: 8p21.3.
Variant type: single nucleotide variant.
Coding change: c.1309G>A on transcript NM_000237.3 (MANE Select); coding-DNA position 1309, G replaced by A.
Protein change: p.Glu437Lys; replaces glutamic acid 437 with lysine.
Molecular consequence: missense variant.
Genome position (GRCh38, 1-based): chr8:19,961,070, G>A. VCF-style: chr8-19961070-G-A. GRCh37 (hg19) VCF-style: chr8-19818581-G-A.
Other names: short protein forms E437K.
Identifiers: ClinVar variation 2691331 (VCV002691331.1), dbSNP rs2070034219, ClinGen allele CA370638889.